The following is an entry in ClinVar:

ClinVar aggregate classification (germline): Uncertain significance (1 of 4 stars; one submission).

Allele frequency attached by ClinVar (database versions not stated): gnomAD exomes below 0.00001; TOPMed below 0.00001.
gnomAD v4.1: 3 of 1,613,872 alleles (0.00019%); highest among the groups gnomAD compares: Middle Eastern, 0.033%; no homozygotes.

Submission:

Labcorp Genetics (formerly Invitae), Labcorp
Classification: Uncertain significance. Last evaluated: 2022-05-16. Review status: criteria provided, single submitter. Criteria: Invitae Variant Classification Sherloc (09022015). Collection method: clinical testing. Allele origin: germline.
Comment: This sequence change replaces glycine, which is neutral and non-polar, with glutamic acid, which is acidic and polar, at codon 24 of the FAM161A protein (p.Gly24Glu). This variant is present in population databases (no rsID available, gnomAD 0.01%). This variant has not been reported in the literature in individuals affected with FAM161A-related conditions. Algorithms developed to predict the effect of missense changes on protein structure and function output the following: SIFT: "Tolerated"; PolyPhen-2: "Possibly Damaging"; Align-GVGD: "Class C0". The glutamic acid amino acid residue is found in multiple mammalian species, which suggests that this missense change does not adversely affect protein function. In summary, the available evidence is currently insufficient to determine the role of this variant in disease. Therefore, it has been classified as a Variant of Uncertain Significance.

NM_001201543.2(FAM161A):c.71G>A (p.Gly24Glu)

Genes: FAM161A (FAM161 centrosomal protein A; minus strand), LOC129933843 (ATAC-STARR-seq lymphoblastoid active region 15839; plus strand). Cytogenetic location: 2p15.
Variant type: single nucleotide variant.
Coding change: c.71G>A on transcript NM_001201543.2 (MANE Select); coding-DNA position 71, G replaced by A.
Protein change: p.Gly24Glu; replaces glycine 24 with glutamic acid.
Molecular consequence: missense variant. On other transcripts: non-coding transcript variant (1).
Genome position (GRCh38, 1-based): chr2:61,853,971, C>T on the plus strand (G>A on the coding strand, the complement: FAM161A is on the minus strand). VCF-style: chr2-61853971-C-T. GRCh37 (hg19) VCF-style: chr2-62081106-C-T.
Other names: c.71G>A, p.Gly24Glu (NM_032180.3); short protein forms G24E.
Identifiers: ClinVar variation 2145392 (VCV002145392.1), dbSNP rs866298279, ClinGen allele CA48483876.